The following is an entry in ClinVar:

NM_032737.4(LMNB2):c.395_396delinsTA (p.Asn132Ile)

Gene: LMNB2 (lamin B2; minus strand). Cytogenetic location: 19p13.3.
Variant type: Indel.
Coding change: c.395_396delinsTA on transcript NM_032737.4 (MANE Select); coding-DNA positions 395 to 396, AC replaced by TA.
Protein change: p.Asn132Ile; replaces asparagine 132 with isoleucine.
Molecular consequence: missense variant.
Genome position (GRCh38, 1-based): chr19:2,444,409-2,444,410, GT replaced by TA on the plus strand (AC replaced by TA on the coding strand, the reverse complement: LMNB2 is on the minus strand). VCF-style: chr19-2444409-GT-TA. GRCh37 (hg19) VCF-style: chr19-2444407-GT-TA.
Other names: short protein forms N132I.
Identifiers: ClinVar variation 2928854 (VCV002928854.3), dbSNP rs2512241933, ClinGen allele CA2740091843.

ClinVar aggregate classification (germline): Uncertain significance (1 of 4 stars; one submission).

Conditions:
Lipodystrophy, partial, acquired, susceptibility to (APLD). Also called: APLD, SUSCEPTIBILITY TO. Identifiers: MedGen C3887501, MONDO:0100476, OMIM 608709.
Progressive myoclonic epilepsy type 9. Identifiers: Orphanet 457265, MedGen C4225289, MONDO:0014685, OMIM 616540.

Submission:

Labcorp Genetics (formerly Invitae), Labcorp
Classification: Uncertain significance for Progressive myoclonic epilepsy type 9; Lipodystrophy, partial, acquired, susceptibility to. Last evaluated: 2025-06-12. Review status: criteria provided, single submitter. Criteria: Invitae Variant Classification Sherloc (09022015). Collection method: clinical testing. Allele origin: germline.
Comment: This sequence change replaces asparagine, which is neutral and polar, with isoleucine, which is neutral and non-polar, at codon 132 of the LMNB2 protein (p.Asn132Ile). Information on the frequency of this variant in the gnomAD database is not available, as this variant may be reported differently in the database. This variant has not been reported in the literature in individuals affected with LMNB2-related conditions. ClinVar contains an entry for this variant (Variation ID: 2928854). An algorithm developed to predict the effect of missense changes on protein structure and function (PolyPhen-2) suggests that this variant is likely to be tolerated. In summary, the available evidence is currently insufficient to determine the role of this variant in disease. Therefore, it has been classified as a Variant of Uncertain Significance.